The following is an entry in ClinVar:

ClinVar aggregate classification (germline): Benign. Review status: criteria provided, multiple submitters, no conflicts (2 of 4 stars). 2 submissions from 2 submitters: Benign (2). Last evaluated 2018-01-13.

Conditions:
Autosomal recessive distal spinal muscular atrophy 1. Also called: HMN VI; NEURONOPATHY, SEVERE INFANTILE AXONAL, WITH RESPIRATORY FAILURE; SEVERE INFANTILE AXONAL NEUROPATHY WITH RESPIRATORY FAILURE; SPINAL MUSCULAR ATROPHY, DIAPHRAGMATIC; Spinal muscular atrophy with respiratory distress 1; NEURONOPATHY, DISTAL HEREDITARY MOTOR, HARDING TYPE VI. Identifiers: Orphanet 98920, MedGen C1858517, MONDO:0011436, OMIM 604320.

Allele frequency attached by ClinVar (database versions not stated): 1000 Genomes Project 30x 0.19441; 1000 Genomes Project 0.19669; gnomAD 0.22231 and 0.22234; TOPMed 0.22903.
gnomAD v4.1: 43,208 of 187,660 alleles (23%); highest among the groups gnomAD compares: Admixed American, 40%; 6,222 homozygotes.

Submissions (2):

Illumina Laboratory Services, Illumina
Classification: Benign for Autosomal recessive distal spinal muscular atrophy 1. Last evaluated: 2018-01-13. Review status: criteria provided, single submitter. Criteria: ICSL Variant Classification Criteria 13 December 2019. Collection method: clinical testing. Allele origin: germline.
Comment: This variant was observed in the ICSL laboratory as part of a predisposition screen in an ostensibly healthy population. It had not been previously curated by ICSL or reported in the Human Gene Mutation Database (HGMD: prior to June 1st, 2018), and was therefore a candidate for classification through an automated scoring system. Utilizing variant allele frequency, disease prevalence and penetrance estimates, and inheritance mode, an automated score was calculated to assess if this variant is too frequent to cause the disease. Based on the score and internal cut-off values, a variant classified as benign is not then subjected to further curation. The score for this variant resulted in a classification of benign for this disease.

Breakthrough Genomics
Classification: Benign. Review status: criteria provided, single submitter. Criteria: ACMG Guidelines, 2015. Collection method: not provided. Allele origin: germline. Inheritance: Autosomal recessive inheritance. Affected: yes.

NM_002180.3(IGHMBP2):c.*427C>T

Gene: IGHMBP2 (immunoglobulin mu DNA binding protein 2; plus strand). Cytogenetic location: 11q13.3.
Variant type: single nucleotide variant.
Coding change: c.*427C>T on transcript NM_002180.3 (MANE Select); 427 bases downstream of the stop codon, C replaced by T.
Molecular consequence: 3 prime UTR variant.
Genome position (GRCh38, 1-based): chr11:68,940,158, C>T. VCF-style: chr11-68940158-C-T. GRCh37 (hg19) VCF-style: chr11-68707626-C-T.
Identifiers: ClinVar variation 305872 (VCV000305872.6), dbSNP rs3750980, ClinGen allele CA10631441.